The following is an entry in ClinVar:

NM_015570.4(AUTS2):c.2873C>T (p.Ser958Leu)

Gene: AUTS2 (activator of transcription and developmental regulator AUTS2; plus strand). Cytogenetic location: 7q11.22.
Variant type: single nucleotide variant.
Coding change: c.2873C>T on transcript NM_015570.4 (MANE Select); coding-DNA position 2873, C replaced by T.
Protein change: p.Ser958Leu; replaces serine 958 with leucine.
Molecular consequence: missense variant.
Genome position (GRCh38, 1-based): chr7:70,790,089, C>T. VCF-style: chr7-70790089-C-T. GRCh37 (hg19) VCF-style: chr7-70255075-C-T.
Other names: c.2801C>T, p.Ser934Leu (NM_001127231.3); short protein forms S934L, S958L.
Identifiers: ClinVar variation 3333746 (VCV003333746.3).

ClinVar aggregate classification (germline): Uncertain significance. Review status: criteria provided, multiple submitters, no conflicts (2 of 4 stars). 2 submissions from 2 submitters: Uncertain significance (2). Last evaluated 2024-06-07.

Conditions:
Inborn genetic diseases. Identifiers: MedGen C0950123, MeSH D030342.

gnomAD v4.1: 2 of 1,578,236 alleles (0.00013%); highest among the groups gnomAD compares: African/African-American, 0.0013%; no homozygotes.

Submissions (2):

Ambry Genetics
Classification: Uncertain significance for Inborn genetic diseases. Last evaluated: 2024-06-07. Review status: criteria provided, single submitter. Criteria: Ambry Variant Classification Scheme 2023. Collection method: clinical testing. Allele origin: germline.

Labcorp Genetics (formerly Invitae), Labcorp
Classification: Uncertain significance. Last evaluated: 2024-02-27. Review status: criteria provided, single submitter. Criteria: Invitae Variant Classification Sherloc (09022015). Collection method: clinical testing. Allele origin: germline.
Comment: This sequence change replaces serine, which is neutral and polar, with leucine, which is neutral and non-polar, at codon 958 of the AUTS2 protein (p.Ser958Leu). This variant is present in population databases (no rsID available, gnomAD 0.01%). This variant has not been reported in the literature in individuals affected with AUTS2-related conditions. Advanced modeling of protein sequence and biophysical properties (such as structural, functional, and spatial information, amino acid conservation, physicochemical variation, residue mobility, and thermodynamic stability) performed at Invitae indicates that this missense variant is not expected to disrupt AUTS2 protein function with a negative predictive value of 80%. In summary, the available evidence is currently insufficient to determine the role of this variant in disease. Therefore, it has been classified as a Variant of Uncertain Significance.